The following is an entry in ClinVar:

NM_175634.3(RUNX1T1):c.226+10C>T

Gene: RUNX1T1 (RUNX1 partner transcriptional co-repressor 1; minus strand). Cytogenetic location: 8q21.3.
Variant type: single nucleotide variant.
Coding change: c.226+10C>T on transcript NM_175634.3 (MANE Select); 10 bases into the intron after coding-DNA position 226, C replaced by T.
Molecular consequence: intron variant.
Genome position (GRCh38, 1-based): chr8:92,017,216, G>A on the plus strand (C>T on the coding strand, the complement: RUNX1T1 is on the minus strand). VCF-style: chr8-92017216-G-A. GRCh37 (hg19) VCF-style: chr8-93029444-G-A.
Other names: c.115+10C>T (NM_175636.2, NM_175635.3); c.166+10C>T (NM_001198633.2); c.310+10C>T (NM_001395209.1); c.226+10C>T (NM_001198628.2, NM_001198631.2, NM_001198626.2 and 3 more transcripts); c.403+10C>T (NM_001198679.3); c.259+10C>T (NM_001198634.2); c.145+10C>T (NM_001198625.2, NM_001198632.2, NM_004349.4).
Identifiers: ClinVar variation 3045604 (VCV003045604.2), dbSNP rs201692462, ClinGen allele CA4806203.

ClinVar aggregate classification (germline): Likely benign (0 of 4 stars; one submission).

Conditions:
RUNX1T1-related disorder. Also called: RUNX1T1-related condition.

Allele frequency attached by ClinVar (database versions not stated): 1000 Genomes Project 0.00020; 1000 Genomes Project 30x 0.00031; ExAC 0.00035; gnomAD 0.00040; TOPMed 0.00043; ESP Exome Variant Server 0.00069; gnomAD exomes 0.00077.
gnomAD v4.1: 1,149 of 1,553,714 alleles (0.074%); highest among the groups gnomAD compares: Non-Finnish European, 0.095%; no homozygotes.

Submission:

PreventionGenetics, part of Exact Sciences
Classification: Likely benign for RUNX1T1-related condition. Last evaluated: 2019-02-22. Review status: no assertion criteria provided. Collection method: clinical testing. Allele origin: germline.
Comment: This variant is classified as likely benign based on ACMG/AMP sequence variant interpretation guidelines (Richards et al. 2015 PMID: 25741868, with internal and published modifications).